The following is an entry in ClinVar:

NM_004655.4(AXIN2):c.1685_1708del (p.Pro562_Phe570delinsLeu)

Gene: AXIN2 (axin 2; minus strand). Cytogenetic location: 17q24.1.
Variant type: Deletion.
Coding change: c.1685_1708del on transcript NM_004655.4 (MANE Select); coding-DNA positions 1685 to 1708, 24 bases deleted (CGGAAACCATGCCCAGCGAGCAGT).
Protein change: p.Pro562_Phe570delinsLeu.
Molecular consequence: inframe indel.
Genome position (GRCh38, 1-based): chr17:65,537,328-65,537,351, ACTGCTCGCTGGGCATGGTTTCCG deleted on the plus strand (CGGAAACCATGCCCAGCGAGCAGT on the coding strand, the reverse complement: AXIN2 is on the minus strand). VCF-style (leftmost placement, unchanged base first): chr17-65537327-AACTGCTCGCTGGGCATGGTTTCCG-A. GRCh37 (hg19) VCF-style: chr17-63533445-AACTGCTCGCTGGGCATGGTTTCCG-A.
Other names: c.1685_1708del, p.Pro562_Phe570delinsLeu (NM_001363813.1).
Identifiers: ClinVar variation 1994624 (VCV001994624.4), dbSNP rs2509411001, ClinGen allele CA2580094712.

ClinVar aggregate classification (germline): Uncertain significance (1 of 4 stars; one submission).

Conditions:
Oligodontia-cancer predisposition syndrome. Also called: TOOTH AGENESIS-COLORECTAL CANCER SYNDROME. Identifiers: Orphanet 300576, MedGen C1837750, MONDO:0012075, OMIM 608615. Disease mechanism: loss of function.

Submission:

Labcorp Genetics (formerly Invitae), Labcorp
Classification: Uncertain significance for Oligodontia-cancer predisposition syndrome. Last evaluated: 2022-05-15. Review status: criteria provided, single submitter. Criteria: Invitae Variant Classification Sherloc (09022015). Collection method: clinical testing. Allele origin: germline.
Comment: This variant, c.1685_1708del, is a complex sequence change that results in the deletion of 9 and insertion of 1 amino acid(s) in the AXIN2 protein (p.Pro562_Phe570delinsLeu). This variant is not present in population databases (gnomAD no frequency). This variant has not been reported in the literature in individuals affected with AXIN2-related conditions. Experimental studies and prediction algorithms are not available or were not evaluated, and the functional significance of this variant is currently unknown. In summary, the available evidence is currently insufficient to determine the role of this variant in disease. Therefore, it has been classified as a Variant of Uncertain Significance.